The following is an entry in ClinVar:

NM_013275.6(ANKRD11):c.3739G>A (p.Ala1247Thr)

Gene: ANKRD11 (ankyrin repeat domain 11; minus strand). Cytogenetic location: 16q24.3.
Variant type: single nucleotide variant.
Coding change: c.3739G>A on transcript NM_013275.6 (MANE Select); coding-DNA position 3739, G replaced by A.
Protein change: p.Ala1247Thr; replaces alanine 1247 with threonine.
Molecular consequence: missense variant.
Genome position (GRCh38, 1-based): chr16:89,282,803, C>T on the plus strand (G>A on the coding strand, the complement: ANKRD11 is on the minus strand). VCF-style: chr16-89282803-C-T. GRCh37 (hg19) VCF-style: chr16-89349211-C-T.
Other names: c.3739G>A, p.Ala1247Thr (NM_001256182.2, NM_001256183.2); short protein forms A1247T.
Identifiers: ClinVar variation 2763944 (VCV002763944.3), dbSNP rs755642596, ClinGen allele CA8242298.

ClinVar aggregate classification (germline): Uncertain significance (1 of 4 stars; one submission).

Conditions:
KBG syndrome (KBGS). Also called: ANKRD11-Related KBG Syndrome. Identifiers: Orphanet 2332, MedGen C0220687, MONDO:0007846, OMIM 148050.

Allele frequency attached by ClinVar (database versions not stated): ExAC 0.00001; TOPMed 0.00002.
gnomAD v4.1: 12 of 1,611,192 alleles (0.00074%); highest among the groups gnomAD compares: Admixed American, 0.0067%; no homozygotes.

Submission:

Labcorp Genetics (formerly Invitae), Labcorp
Classification: Uncertain significance for KBG syndrome. Last evaluated: 2024-06-05. Review status: criteria provided, single submitter. Criteria: Invitae Variant Classification Sherloc (09022015). Collection method: clinical testing. Allele origin: germline.
Comment: This sequence change replaces alanine, which is neutral and non-polar, with threonine, which is neutral and polar, at codon 1247 of the ANKRD11 protein (p.Ala1247Thr). This variant is present in population databases (rs755642596, gnomAD 0.01%). This variant has not been reported in the literature in individuals affected with ANKRD11-related conditions. Advanced modeling of protein sequence and biophysical properties (such as structural, functional, and spatial information, amino acid conservation, physicochemical variation, residue mobility, and thermodynamic stability) performed at Invitae indicates that this missense variant is not expected to disrupt ANKRD11 protein function with a negative predictive value of 95%. In summary, the available evidence is currently insufficient to determine the role of this variant in disease. Therefore, it has been classified as a Variant of Uncertain Significance.